The following is an entry in ClinVar:

ClinVar aggregate classification (germline): Uncertain significance (1 of 4 stars; one submission).

gnomAD v4.1: 3 of 1,613,632 alleles (0.00019%); highest among the groups gnomAD compares: Non-Finnish European, 0.00025%; no homozygotes.

Submission:

Labcorp Genetics (formerly Invitae), Labcorp
Classification: Uncertain significance. Last evaluated: 2022-01-14. Review status: criteria provided, single submitter. Criteria: Invitae Variant Classification Sherloc (09022015). Collection method: clinical testing. Allele origin: germline.
Comment: In summary, the available evidence is currently insufficient to determine the role of this variant in disease. Therefore, it has been classified as a Variant of Uncertain Significance. Algorithms developed to predict the effect of sequence changes on RNA splicing suggest that this variant may create or strengthen a splice site. Algorithms developed to predict the effect of missense changes on protein structure and function (SIFT, PolyPhen-2, Align-GVGD) all suggest that this variant is likely to be tolerated. This variant has not been reported in the literature in individuals affected with AP3B2-related conditions. This variant is not present in population databases (gnomAD no frequency). This sequence change replaces methionine, which is neutral and non-polar, with valine, which is neutral and non-polar, at codon 977 of the AP3B2 protein (p.Met977Val).

NM_001278512.2(AP3B2):c.2986A>G (p.Met996Val)

Genes: AP3B2 (adaptor related protein complex 3 subunit beta 2; minus strand), CPEB1-AS1 (CPEB1 antisense RNA 1; plus strand). Cytogenetic location: 15q25.2.
Variant type: single nucleotide variant.
Coding change: c.2986A>G on transcript NM_001278512.2 (MANE Select); coding-DNA position 2986, A replaced by G.
Protein change: p.Met996Val; replaces methionine 996 with valine.
Molecular consequence: missense variant.
Genome position (GRCh38, 1-based): chr15:82,661,855, T>C on the plus strand (A>G on the coding strand, the complement: AP3B2 is on the minus strand). VCF-style: chr15-82661855-T-C. GRCh37 (hg19) VCF-style: chr15-83330607-T-C.
Other names: c.2833A>G, p.Met945Val (NM_001278511.2); c.118A>G, p.Met40Val (NM_001348441.2); c.2929A>G, p.Met977Val (NM_004644.5); short protein forms M40V, M945V, M977V, M996V.
Identifiers: ClinVar variation 1449202 (VCV001449202.7), dbSNP rs2047956387, ClinGen allele CA393306703.